The following is an entry in ClinVar:

NM_001267550.2(TTN):c.6453A>G (p.Val2151=)

Gene: TTN (titin; minus strand). Cytogenetic location: 2q31.2.
Variant type: single nucleotide variant.
Coding change: c.6453A>G on transcript NM_001267550.2 (MANE Select); coding-DNA position 6453, A replaced by G.
Protein change: p.Val2151=; no amino-acid change (valine 2151 retained).
Molecular consequence: synonymous variant.
Genome position (GRCh38, 1-based): chr2:178,775,411, T>C on the plus strand (A>G on the coding strand, the complement: TTN is on the minus strand). VCF-style: chr2-178775411-T-C. GRCh37 (hg19) VCF-style: chr2-179640138-T-C.
Other names: c.6453A>G, p.Val2151= (NM_001256850.1, NM_133378.4, NM_133379.5); c.6315A>G, p.Val2105= (NM_003319.4, NM_133432.3, NM_133437.4).
Identifiers: ClinVar variation 2566367 (VCV002566367.13), dbSNP rs2092110144, ClinGen allele CA430300314.

ClinVar aggregate classification (germline): Likely benign. Review status: criteria provided, multiple submitters, no conflicts (2 of 4 stars). 3 submissions from 3 submitters: Likely benign (3). Last evaluated 2026-01-01.

Conditions:
Autosomal recessive limb-girdle muscular dystrophy type 2J (LGMDR10). Also called: Limb-girdle muscular dystrophy, type 2J; MUSCULAR DYSTROPHY, LIMB-GIRDLE, AUTOSOMAL RECESSIVE 10. Identifiers: Orphanet 140922, MedGen C1837342, MONDO:0012127, OMIM 608807.
Dilated cardiomyopathy 1G (CMD1G). Identifiers: Orphanet 154, MedGen C1858763, MONDO:0011400, OMIM 604145.
Cardiovascular phenotype. Identifiers: MedGen CN230736.

Allele frequency attached by ClinVar (database versions not stated): gnomAD exomes 0.00001.
gnomAD v4.1: 10 of 1,614,088 alleles (0.00062%); highest among the groups gnomAD compares: Non-Finnish European, 0.00085%; no homozygotes.

Submissions (3):

CeGaT Center for Human Genetics Tuebingen
Classification: Likely benign. Last evaluated: 2026-01-01. Review status: criteria provided, single submitter. Criteria: CeGaT Center For Human Genetics Tuebingen Variant Classification Criteria Version 2. Collection method: clinical testing. Allele origin: germline. Affected: yes. Observed: 2 variant alleles.
Comment: TTN: BP4, BP7

Labcorp Genetics (formerly Invitae), Labcorp
Classification: Likely benign for Dilated cardiomyopathy 1G; Autosomal recessive limb-girdle muscular dystrophy type 2J. Last evaluated: 2025-10-13. Review status: criteria provided, single submitter. Criteria: Invitae Variant Classification Sherloc (09022015). Collection method: clinical testing. Allele origin: germline.

Ambry Genetics
Classification: Likely benign for Cardiovascular phenotype. Last evaluated: 2023-03-23. Review status: criteria provided, single submitter. Criteria: Ambry Variant Classification Scheme 2023. Collection method: clinical testing. Allele origin: germline.